The following is an entry in ClinVar:

NM_001085487.3(MYSM1):c.1992T>A (p.Asn664Lys)

Gene: MYSM1 (Myb like, SWIRM and MPN domains 1; minus strand). Cytogenetic location: 1p32.1.
Variant type: single nucleotide variant.
Coding change: c.1992T>A on transcript NM_001085487.3 (MANE Select); coding-DNA position 1992, T replaced by A.
Protein change: p.Asn664Lys; replaces asparagine 664 with lysine.
Molecular consequence: missense variant.
Genome position (GRCh38, 1-based): chr1:58,667,077, A>T on the plus strand (T>A on the coding strand, the complement: MYSM1 is on the minus strand). VCF-style: chr1-58667077-A-T. GRCh37 (hg19) VCF-style: chr1-59132749-A-T.
Other names: short protein forms N664K.
Identifiers: ClinVar variation 2766483 (VCV002766483.3), dbSNP rs760880945, ClinGen allele CA340519241.
Genomic context (GRCh38, chr1:58,667,077, plus strand): 5'-ATATAAATATACATGTAATACCTGGTATTTAGCTTGTGTGTCAATATCTCGTAAGGAAGG[A>T]TTAGGATCAAAAGCAGGATGAGAATGATACCATCCAATAACACTGAAGCCTCTAACAGCC-3'
Protein context (NP_001078956.1, residues 654-674): WYHSHPAFDP[Asn664Lys]PSLRDIDTQA

ClinVar aggregate classification (germline): Uncertain significance (1 of 4 stars; one submission).

Submission:

Labcorp Genetics (formerly Invitae), Labcorp
Classification: Uncertain significance. Last evaluated: 2024-04-16. Review status: criteria provided, single submitter. Criteria: Invitae Variant Classification Sherloc (09022015). Collection method: clinical testing. Allele origin: germline.
Comment: This sequence change replaces asparagine, which is neutral and polar, with lysine, which is basic and polar, at codon 664 of the MYSM1 protein (p.Asn664Lys). This variant is not present in population databases (gnomAD no frequency). This variant has not been reported in the literature in individuals affected with MYSM1-related conditions. Advanced modeling of protein sequence and biophysical properties (such as structural, functional, and spatial information, amino acid conservation, physicochemical variation, residue mobility, and thermodynamic stability) performed at Invitae indicates that this missense variant is expected to disrupt MYSM1 protein function with a positive predictive value of 80%. In summary, the available evidence is currently insufficient to determine the role of this variant in disease. Therefore, it has been classified as a Variant of Uncertain Significance.